The following is an entry in ClinVar:

ClinVar aggregate classification (germline): Uncertain significance (1 of 4 stars; one submission).

Conditions:
Hereditary cancer-predisposing syndrome. Also called: Hereditary Cancer Syndrome; Hereditary neoplastic syndrome; Neoplastic Syndromes, Hereditary; Tumor predisposition. Identifiers: Orphanet 140162, MedGen C0027672, MeSH D009386, MONDO:0015356.

Submission:

Sema4
Classification: Uncertain significance for Hereditary cancer-predisposing syndrome. Last evaluated: 2021-11-10. Review status: criteria provided, single submitter. Criteria: Sema4 Curation Guidelines. Collection method: curation. Allele origin: germline.
Comment: The NF1 c.61-7464_61-7440del variant has not been reported in the literature to our knowledge. It was observed in 1/15336 chromosomes of the European (non-Finnish) subpopulation in the large and broad cohorts of the Genome Aggregation Database (PMID: 32461654), but has not been reported in ClinVar. In silico tools suggest the variant does not disrupt normal splicing, though these predictions have not been confirmed by functional studies. The evidence is insufficient to meet ACMG/AMP criteria for classifying the variant as benign or pathogenic.

NM_001042492.3(NF1):c.61-7464_61-7440del

Gene: NF1 (neurofibromin 1; plus strand). Cytogenetic location: 17q11.2.
Variant type: Deletion.
Coding change: c.61-7464_61-7440del on transcript NM_001042492.3 (MANE Select); 7464 bases into the intron before coding-DNA position 61 through 7440 bases into the intron before coding-DNA position 61, 25 bases deleted (AGTCATTACTATGGGATTGGTCATT).
Molecular consequence: intron variant.
Genome position (GRCh38, 1-based): chr17:31,148,519-31,148,543, AGTCATTACTATGGGATTGGTCATT deleted; deleting any 25 consecutive bases within chr17:31,148,498-31,148,543 gives the same sequence; the c. name uses the placement nearest the transcript's 3' end. VCF-style (leftmost placement, unchanged base first): chr17-31148497-GATTACTATGGGATTGGTCATTAGTC-G. GRCh37 (hg19) VCF-style: chr17-29475515-GATTACTATGGGATTGGTCATTAGTC-G.
Other names: c.61-7464_61-7440del (NM_000267.4, NM_001128147.3).
Identifiers: ClinVar variation 1692344 (VCV001692344.1), dbSNP rs1479491862, ClinGen allele CA625467950.